The following is an entry in ClinVar:

ClinVar aggregate classification (germline): Likely pathogenic (1 of 4 stars; one submission).

Conditions:
Familial adenomatous polyposis 2. Also called: MUTYH Polyposis; COLORECTAL ADENOMATOUS POLYPOSIS, AUTOSOMAL RECESSIVE; ADENOMAS, MULTIPLE COLORECTAL, AUTOSOMAL RECESSIVE; MYH-associated polyposis; MUTYH-associated polyposis; MUTYH-related attenuated familial adenomatous polyposis. Identifiers: Orphanet 220460, Orphanet 247798, MedGen C3272841, MONDO:0012041, OMIM 608456.

Submission:

All of Us Research Program, National Institutes of Health
Classification: Likely pathogenic for Familial adenomatous polyposis 2. Last evaluated: 2024-09-27. Review status: criteria provided, single submitter. Criteria: ACMG Guidelines, 2015. Collection method: clinical testing. Allele origin: germline. Inheritance: Autosomal recessive inheritance. Observed: 1 variant allele, 1 heterozygote.
Comment: This study involves interpretation of variants in research participants for the purpose of population health screening. Participant phenotype was not available at the time of variant classification. Additional details can be found in publication PMID: 35346344, PMCID: PMC8962531

NM_001128425.2(MUTYH):c.194_197del (p.Pro65fs)

Gene: MUTYH (mutY DNA glycosylase; minus strand). Cytogenetic location: 1p34.1.
Variant type: Deletion.
Coding change: c.194_197del on transcript NM_001128425.2 (MANE Plus Clinical); coding-DNA positions 194 to 197, 4 bases deleted (CAGC; older notation c.194_197delCAGC).
Protein change: p.Pro65fs; shifts the reading frame from proline 65.
Molecular consequence: frameshift variant. On other transcripts: intron variant (17), splice acceptor variant (7).
Genome position (GRCh38, 1-based): chr1:45,333,564-45,333,567, GCTG deleted on the plus strand (CAGC on the coding strand, the reverse complement: MUTYH is on the minus strand); deleting any 4 consecutive bases within chr1:45,333,564-45,333,568 gives the same sequence; the c. name uses the placement nearest the transcript's 3' end. VCF-style (leftmost placement, unchanged base first): chr1-45333563-TGCTG-T. GRCh37 (hg19) VCF-style: chr1-45799235-TGCTG-T.
Other names: c.152_155del, p.Pro51fs (NM_001407085.1, NM_001407083.1); c.185_188del, p.Pro62fs (NM_012222.3, NM_001407069.1); c.116-6_116-3del (NM_001407072.1, NM_001048171.2, NM_001407070.1 and 7 more transcripts); c.-92-70_-92-67del (NM_001350651.2, NM_001407082.1); c.-97-70_-97-67del (NM_001293192.2, NM_001293196.2, NM_001407091.1); c.-156-6_-156-3del (NM_001350650.2); c.158-6_158-3del (NM_001407073.1); c.158-3_158del (NM_001293190.2); and 4 more; short protein forms P48fs, P51fs, P62fs, P65fs, P9fs.
Identifiers: ClinVar variation 3387084 (VCV003387084.1).